The following is an entry in ClinVar:

ClinVar aggregate classification (germline): Benign. Review status: criteria provided, multiple submitters, no conflicts (2 of 4 stars). 6 submissions from 6 submitters: Benign (6). Last evaluated 2026-02-04.

Conditions:
Cardiovascular phenotype. Identifiers: MedGen CN230736.
Ehlers-Danlos syndrome (EDS). Identifiers: Orphanet 98249, MedGen C0013720, MONDO:0020066.

Allele frequency attached by ClinVar (database versions not stated): ESP Exome Variant Server 0.00008; gnomAD 0.00299 and 0.00200; 1000 Genomes Project 0.01378; gnomAD exomes 0.00281 and 0.00627; TOPMed 0.00339; 1000 Genomes Project 30x 0.01265; ExAC 0.00601.
gnomAD v4.1: 4,671 of 1,613,850 alleles (0.29%); highest among the groups gnomAD compares: East Asian, 7.3%; 150 homozygotes.

Submissions (6):

Labcorp Genetics (formerly Invitae), Labcorp
Classification: Benign. Last evaluated: 2026-02-04. Review status: criteria provided, single submitter. Criteria: Invitae Variant Classification Sherloc (09022015). Collection method: clinical testing. Allele origin: germline.

Women's Health and Genetics/Laboratory Corporation of America, LabCorp
Classification: Benign. Last evaluated: 2026-01-22. Review status: criteria provided, single submitter. Criteria: LabCorp Variant Classification Summary - May 2015. Collection method: clinical testing. Allele origin: germline.

Mayo Clinic Laboratories, Mayo Clinic
Classification: Benign. Last evaluated: 2024-08-21. Review status: criteria provided, single submitter. Criteria: ACMG Guidelines, 2015. Collection method: clinical testing. Allele origin: germline. Observed: 6 variant alleles.
Comment: BA1

GeneDx
Classification: Benign. Last evaluated: 2020-12-04. Review status: criteria provided, single submitter. Criteria: GeneDx Variant Classification Process June 2021. Collection method: clinical testing. Allele origin: germline. Affected: yes.

Genome Diagnostics Laboratory, The Hospital for Sick Children
Classification: Benign for Ehlers-Danlos syndrome. Last evaluated: 2020-07-10. Review status: criteria provided, single submitter. Criteria: ACMG Guidelines, 2015. Collection method: clinical testing. Allele origin: germline.

Ambry Genetics
Classification: Benign for Cardiovascular phenotype. Last evaluated: 2019-06-10. Review status: criteria provided, single submitter. Criteria: Ambry Variant Classification Scheme 2023. Collection method: clinical testing. Allele origin: germline.

NM_001365276.2(TNXB):c.5937C>T (p.Thr1979=)

Gene: TNXB (tenascin XB; minus strand). Cytogenetic location: 6p21.33.
Variant type: single nucleotide variant.
Coding change: c.5937C>T on transcript NM_001365276.2 (MANE Select); coding-DNA position 5937, C replaced by T.
Protein change: p.Thr1979=; no amino-acid change (threonine 1979 retained).
Molecular consequence: synonymous variant.
Genome position (GRCh38, 1-based): chr6:32,068,673, G>A on the plus strand (C>T on the coding strand, the complement: TNXB is on the minus strand). VCF-style: chr6-32068673-G-A. GRCh37 (hg19) VCF-style: chr6-32036450-G-A.
Other names: p.Thr1979=; c.5937C>T, p.Thr1979= (NM_019105.8).
Identifiers: ClinVar variation 1290770 (VCV001290770.10), dbSNP rs3749963, ClinGen allele CA3734568.